The following is an entry in ClinVar:

ClinVar aggregate classification (germline): Conflicting classifications of pathogenicity. Review status: criteria provided, conflicting classifications (1 of 4 stars). 3 submissions from 3 submitters: Uncertain significance (2); Likely benign (1). Last evaluated 2026-04-28.

Conditions:
PLEC-related disorder. Also called: PLEC-related disorders; PLEC-related condition.
Inborn genetic diseases. Identifiers: MedGen C0950123, MeSH D030342.
Epidermolysis bullosa simplex, Ogna type (EBS5A). Also called: Pidermolysis bullosa simplex 5A, Ogna type; EPIDERMOLYSIS BULLOSA SIMPLEX 5A, OGNA TYPE. Identifiers: Orphanet 79401, MedGen C0432317, MONDO:0007555, OMIM 131950.
Epidermolysis bullosa simplex 5B, with muscular dystrophy (EBS5B). Also called: Epidermolysis bullosa simplex with muscular dystrophy; EPIDERMOLYSIS BULLOSA SIMPLEX AND LIMB-GIRDLE MUSCULAR DYSTROPHY. Identifiers: Orphanet 257, MedGen C2931072, MONDO:0009181, OMIM 226670.
Epidermolysis bullosa simplex with nail dystrophy (EBS5D). Identifiers: MedGen C4225309, MONDO:0014661, OMIM 616487.
Autosomal recessive limb-girdle muscular dystrophy type 2Q (LGMDR17). Also called: MUSCULAR DYSTROPHY, LIMB-GIRDLE, AUTOSOMAL RECESSIVE 17. Identifiers: Orphanet 254361, MedGen C3150989, MONDO:0013390, OMIM 613723.
Epidermolysis bullosa simplex 5C, with pyloric atresia (EBS5C). Also called: PLEC-Related Epidermolysis Bullosa with Pyloric Atresia; Epidermolysis bullosa simplex with pyloric atresia; PLEC1-Related Epidermolysis Bullosa with Pyloric Atresia. Identifiers: Orphanet 158684, MedGen C2677349, MONDO:0012807, OMIM 612138.

Allele frequency attached by ClinVar (database versions not stated): gnomAD 0.00001 and 0.00002; gnomAD exomes 0.00001; TOPMed 0.00005.
gnomAD v4.1: 10 of 1,583,508 alleles (0.00063%); highest among the groups gnomAD compares: African/African-American, 0.008%; no homozygotes.

Submissions (3):

Ambry Genetics
Classification: Likely benign for Inborn genetic diseases. Last evaluated: 2026-04-28. Review status: criteria provided, single submitter. Criteria: Ambry Variant Classification Scheme 2023. Collection method: clinical testing. Allele origin: germline.

PreventionGenetics, part of Exact Sciences
Classification: Uncertain significance for PLEC-related condition. Last evaluated: 2025-10-14. Review status: criteria provided, single submitter. Criteria: ACMG Guidelines, 2015. Collection method: clinical testing. Allele origin: germline.
Comment: The PLEC c.3625G>A variant is predicted to result in the amino acid substitution p.Ala1209Thr. In the canonical PLEC transcript (NM_000445.4) this variant is described as c.3625G>A (p.Ala1209Thr). To our knowledge, this variant has not been reported in the literature. This variant is reported in 0.0088% of alleles in individuals of African descent in gnomAD. At this time, the clinical significance of this variant is uncertain due to the absence of conclusive functional and genetic evidence.

Labcorp Genetics (formerly Invitae), Labcorp
Classification: Uncertain significance for Autosomal recessive limb-girdle muscular dystrophy type 2Q; Epidermolysis bullosa simplex, Ogna type; Epidermolysis bullosa simplex with nail dystrophy; Epidermolysis bullosa simplex 5C, with pyloric atresia; Epidermolysis bullosa simplex 5B, with muscular dystrophy. Last evaluated: 2025-05-01. Review status: criteria provided, single submitter. Criteria: Invitae Variant Classification Sherloc (09022015). Collection method: clinical testing. Allele origin: germline.
Comment: This sequence change replaces alanine, which is neutral and non-polar, with threonine, which is neutral and polar, at codon 1209 of the PLEC protein (p.Ala1209Thr). The frequency data for this variant in the population databases is considered unreliable, as metrics indicate poor data quality at this position in the gnomAD database. This variant has not been reported in the literature in individuals affected with PLEC-related conditions. ClinVar contains an entry for this variant (Variation ID: 967590). Invitae Evidence Modeling of protein sequence and biophysical properties (such as structural, functional, and spatial information, amino acid conservation, physicochemical variation, residue mobility, and thermodynamic stability) indicates that this missense variant is not expected to disrupt PLEC protein function with a negative predictive value of 80%. In summary, the available evidence is currently insufficient to determine the role of this variant in disease. Therefore, it has been classified as a Variant of Uncertain Significance.

NM_201384.3(PLEC):c.3544G>A (p.Ala1182Thr)

Gene: PLEC (plectin; minus strand). Cytogenetic location: 8q24.3.
Variant type: single nucleotide variant.
Coding change: c.3544G>A on transcript NM_201384.3 (MANE Select); coding-DNA position 3544, G replaced by A.
Protein change: p.Ala1182Thr; replaces alanine 1182 with threonine.
Molecular consequence: missense variant.
Genome position (GRCh38, 1-based): chr8:143,927,622, C>T on the plus strand (G>A on the coding strand, the complement: PLEC is on the minus strand). VCF-style: chr8-143927622-C-T. GRCh37 (hg19) VCF-style: chr8-145001790-C-T.
Other names: c.3625G>A (NM_000445.3); c.3625G>A, p.Ala1209Thr (NM_000445.5); c.3502G>A, p.Ala1168Thr (NM_201378.4); c.3478G>A, p.Ala1160Thr (NM_201379.3); c.3955G>A, p.Ala1319Thr (NM_201380.4); c.3448G>A, p.Ala1150Thr (NM_201381.3); c.3544G>A, p.Ala1182Thr (NM_201382.4); c.3556G>A, p.Ala1186Thr (NM_201383.3); short protein forms A1150T, A1160T, A1168T, A1182T, A1186T, A1209T, A1319T.
Identifiers: ClinVar variation 967590 (VCV000967590.9), dbSNP rs1398429578, ClinGen allele CA372565739.